The following is an entry in ClinVar:

NM_003738.5(PTCH2):c.821A>G (p.Asn274Ser)

Gene: PTCH2 (patched 2; minus strand). Cytogenetic location: 1p34.1.
Variant type: single nucleotide variant.
Coding change: c.821A>G on transcript NM_003738.5 (MANE Select); coding-DNA position 821, A replaced by G.
Protein change: p.Asn274Ser; replaces asparagine 274 with serine.
Molecular consequence: missense variant.
Genome position (GRCh38, 1-based): chr1:44,830,023, T>C on the plus strand (A>G on the coding strand, the complement: PTCH2 is on the minus strand). VCF-style: chr1-44830023-T-C. GRCh37 (hg19) VCF-style: chr1-45295695-T-C.
Other names: c.821A>G, p.Asn274Ser (NM_001166292.2); c.821A>G (NM_003738.4); short protein forms N274S.
Identifiers: ClinVar variation 1017535 (VCV001017535.10), dbSNP rs753314916, ClinGen allele CA823510.

ClinVar aggregate classification (germline): Uncertain significance. Review status: criteria provided, multiple submitters, no conflicts (2 of 4 stars). 2 submissions from 2 submitters: Uncertain significance (2). Last evaluated 2023-10-10.

Conditions:
Gorlin syndrome. Also called: Nevoid Basal Cell Carcinoma Syndrome; Basal cell nevus syndrome. Identifiers: Orphanet 377, MedGen C0004779, MONDO:0007187.

Allele frequency attached by ClinVar (database versions not stated): gnomAD 0.00001; gnomAD exomes 0.00001 and 0.00003; TOPMed 0.00001; ExAC 0.00003.
gnomAD v4.1: 20 of 1,613,926 alleles (0.0012%); highest among the groups gnomAD compares: African/African-American, 0.0067%; no homozygotes.

Submissions (2):

Ambry Genetics
Classification: Uncertain significance. Last evaluated: 2023-10-10. Review status: criteria provided, single submitter. Criteria: Ambry Variant Classification Scheme 2023. Collection method: clinical testing. Allele origin: germline.

Labcorp Genetics (formerly Invitae), Labcorp
Classification: Uncertain significance for Gorlin syndrome. Last evaluated: 2022-04-07. Review status: criteria provided, single submitter. Criteria: Invitae Variant Classification Sherloc (09022015). Collection method: clinical testing. Allele origin: germline.
Comment: In summary, the available evidence is currently insufficient to determine the role of this variant in disease. Therefore, it has been classified as a Variant of Uncertain Significance. Algorithms developed to predict the effect of missense changes on protein structure and function output the following: SIFT: "Deleterious"; PolyPhen-2: "Benign"; Align-GVGD: "Class C0". The serine amino acid residue is found in multiple mammalian species, which suggests that this missense change does not adversely affect protein function. ClinVar contains an entry for this variant (Variation ID: 1017535). This variant has not been reported in the literature in individuals affected with PTCH2-related conditions. The frequency data for this variant in the population databases is considered unreliable, as metrics indicate poor data quality at this position in the gnomAD database. This sequence change replaces asparagine, which is neutral and polar, with serine, which is neutral and polar, at codon 274 of the PTCH2 protein (p.Asn274Ser).